The following is an entry in ClinVar:

ClinVar aggregate classification (germline): Uncertain significance. Review status: criteria provided, single submitter (1 of 4 stars). 2 submissions from 2 submitters: Uncertain significance (1). 1 of the submissions does not count toward it. Last evaluated 2024-11-04.

Conditions:
Lipoic acid synthetase deficiency. Also called: HYPERGLYCINEMIA, LACTIC ACIDOSIS, AND SEIZURES. Identifiers: Orphanet 401859, MedGen C3280887, MONDO:0013762, OMIM 614462.

Allele frequency attached by ClinVar (database versions not stated): gnomAD 0.00001; gnomAD exomes 0.00001; TOPMed 0.00002.
gnomAD v4.1: 11 of 1,608,290 alleles (0.00068%); highest among the groups gnomAD compares: Non-Finnish European, 0.00085%; no homozygotes.

Submissions (2):

Labcorp Genetics (formerly Invitae), Labcorp
Classification: Uncertain significance for Lipoic acid synthetase deficiency. Last evaluated: 2024-11-04. Review status: criteria provided, single submitter. Criteria: Invitae Variant Classification Sherloc (09022015). Collection method: clinical testing. Allele origin: germline.
Comment: This sequence change replaces aspartic acid, which is acidic and polar, with glutamic acid, which is acidic and polar, at codon 215 of the LIAS protein (p.Asp215Glu). This variant is not present in population databases (gnomAD no frequency). This missense change has been observed in individual(s) with nonketotic hyperglycinemia (PMID: 24334290). ClinVar contains an entry for this variant (Variation ID: 224602). Invitae Evidence Modeling of protein sequence and biophysical properties (such as structural, functional, and spatial information, amino acid conservation, physicochemical variation, residue mobility, and thermodynamic stability) indicates that this missense variant is expected to disrupt LIAS protein function with a positive predictive value of 80%. In summary, the available evidence is currently insufficient to determine the role of this variant in disease. Therefore, it has been classified as a Variant of Uncertain Significance.

OMIM
Classification: Pathogenic for HYPERGLYCINEMIA, LACTIC ACIDOSIS, AND SEIZURES. Last evaluated: 2018-03-20. Review status: no assertion criteria provided. Collection method: literature only. Allele origin: germline. Not counted in ClinVar's aggregate classification.

Literature cited by the submitters: PubMed 24334290 (cited by Labcorp Genetics (formerly Invitae), Labcorp and OMIM).

NM_006859.4(LIAS):c.645T>A (p.Asp215Glu)

Gene: LIAS (lipoic acid synthetase; plus strand). Cytogenetic location: 4p14.
Variant type: single nucleotide variant.
Coding change: c.645T>A on transcript NM_006859.4 (MANE Select); coding-DNA position 645, T replaced by A.
Protein change: p.Asp215Glu; replaces aspartic acid 215 with glutamic acid.
Molecular consequence: missense variant. On other transcripts: intron variant (1).
Genome position (GRCh38, 1-based): chr4:39,467,554, T>A. VCF-style: chr4-39467554-T-A. GRCh37 (hg19) VCF-style: chr4-39469174-T-A.
Other names: c.336T>A, p.Asp112Glu (NM_001363700.2); c.645T>A, p.Asp215Glu (NM_194451.3); c.608+2212T>A (NM_001278590.2); short protein forms D215E, D112E.
Identifiers: ClinVar variation 224602 (VCV000224602.8), dbSNP rs869312808, ClinGen allele CA353555.